The following is an entry in ClinVar:

ClinVar aggregate classification (germline): Likely pathogenic (1 of 4 stars; one submission).

Submission:

GeneDx
Classification: Likely pathogenic. Last evaluated: 2024-11-15. Review status: criteria provided, single submitter. Criteria: GeneDx Variant Classification Process June 2021. Collection method: clinical testing. Allele origin: germline. Affected: yes.
Comment: In silico analysis supports that this missense variant has a deleterious effect on protein structure/function; Not observed at significant frequency in large population cohorts (gnomAD); Has not been previously published as pathogenic or benign to our knowledge

NM_000719.7(CACNA1C):c.2668C>T (p.Arg890Cys)

Gene: CACNA1C (calcium voltage-gated channel subunit alpha1 C; plus strand). Cytogenetic location: 12p13.33.
Variant type: single nucleotide variant.
Coding change: c.2668C>T on transcript NM_000719.7 (MANE Select); coding-DNA position 2668, C replaced by T.
Protein change: p.Arg890Cys; replaces arginine 890 with cysteine.
Molecular consequence: missense variant.
Genome position (GRCh38, 1-based): chr12:2,595,878, C>T. VCF-style: chr12-2595878-C-T. GRCh37 (hg19) VCF-style: chr12-2705044-C-T.
Other names: c.2668C>T, p.Arg890Cys (NM_001129827.2, NM_001129829.2, NM_001129830.3 and 18 more transcripts); c.2659C>T, p.Arg887Cys (NM_001129844.2); short protein forms R887C, R890C.
Identifiers: ClinVar variation 3899523 (VCV003899523.1).